The following is an entry in ClinVar:

NM_006268.5(DPF2):c.711G>C (p.Glu237Asp)

Gene: DPF2 (double PHD fingers 2; plus strand). Cytogenetic location: 11q13.1.
Variant type: single nucleotide variant.
Coding change: c.711G>C on transcript NM_006268.5 (MANE Select); coding-DNA position 711, G replaced by C.
Protein change: p.Glu237Asp; replaces glutamic acid 237 with aspartic acid.
Molecular consequence: missense variant.
Genome position (GRCh38, 1-based): chr11:65,345,739, G>C. VCF-style: chr11-65345739-G-C. GRCh37 (hg19) VCF-style: chr11-65113210-G-C.
Other names: c.753G>C, p.Glu251Asp (NM_001330308.2); short protein forms E237D, E251D.
Identifiers: ClinVar variation 1309449 (VCV001309449.2), dbSNP rs766555584, ClinGen allele CA381253740.
Genomic context (GRCh38, chr11:65,345,739, plus strand): 5'-TTACAAGAACCGACCAGGCCTCAGTTACCACTATGCCCACTCCCACTTGGCTGAGGAGGA[G>C]GGCGAGGACAAGGAAGACTCTCAACCACCCACTCCTGTTTCCCAGAGGTCTGAGGAGCAG-3'
Protein context (NP_006259.1, residues 227-247): HYAHSHLAEE[Glu237Asp]GEDKEDSQPP

ClinVar aggregate classification (germline): Uncertain significance (1 of 4 stars; one submission).

Submission:

GeneDx
Classification: Uncertain significance. Last evaluated: 2019-10-15. Review status: criteria provided, single submitter. Criteria: GeneDx Variant Classification Process June 2021. Collection method: clinical testing. Allele origin: germline. Affected: yes.
Comment: Not observed in large population cohorts (Lek et al., 2016); In silico analysis, which includes protein predictors and evolutionary conservation, supports that this variant does not alter protein structure/function; Has not been previously published as pathogenic or benign to our knowledge